The following is an entry in ClinVar:

ClinVar aggregate classification (germline): Benign (0 of 4 stars; one submission).

Conditions:
RECQL5-related disorder. Also called: RECQL5-related condition.

Allele frequency attached by ClinVar (database versions not stated): TOPMed 0.04051; 1000 Genomes Project 0.53994; gnomAD 0.59771.

Submission:

PreventionGenetics, part of Exact Sciences
Classification: Benign for RECQL5-related condition. Last evaluated: 2019-11-04. Review status: no assertion criteria provided. Collection method: clinical testing. Allele origin: germline.
Comment: This variant is classified as benign based on ACMG/AMP sequence variant interpretation guidelines (Richards et al. 2015 PMID: 25741868, with internal and published modifications).

NM_004259.7(RECQL5):c.1586-6_1586-5insA

Gene: RECQL5 (RecQ like helicase 5; minus strand). Cytogenetic location: 17q25.1.
Variant type: Insertion.
Coding change: c.1586-6_1586-5insA on transcript NM_004259.7 (MANE Select); 6 bases into the intron before coding-DNA position 1586 through 5 bases into the intron before coding-DNA position 1586, A inserted.
Molecular consequence: intron variant.
Genome position: GRCh38 VCF-style: chr17-75630842-G-GT. GRCh37 (hg19) VCF-style: chr17-73626922-G-GT.
Identifiers: ClinVar variation 3059523 (VCV003059523.2), dbSNP rs56158987, ClinGen allele CA8767374.